The following is an entry in ClinVar:

ClinVar aggregate classification (germline): Uncertain significance (1 of 4 stars; one submission).

Conditions:
Developmental and epileptic encephalopathy, 14 (DEE14). Also called: Early infantile epileptic encephalopathy 14. Identifiers: Orphanet 293181, MedGen C3554195, MONDO:0013989, OMIM 614959.
Autosomal dominant nocturnal frontal lobe epilepsy 5. Also called: KCNT1-Related Epilepsy; CILIARY DYSKINESIA, PRIMARY, 28, WITH SITUS INVERSUS; Epilepsy, nocturnal frontal lobe, 5; CILIARY DYSKINESIA, PRIMARY, 28, WITHOUT SITUS INVERSUS. Identifiers: Orphanet 98784, MedGen C3554306, MONDO:0014002, OMIM 615005.

Allele frequency attached by ClinVar (database versions not stated): TOPMed below 0.00001.

Submission:

Labcorp Genetics (formerly Invitae), Labcorp
Classification: Uncertain significance for Autosomal dominant nocturnal frontal lobe epilepsy 5; Developmental and epileptic encephalopathy, 14. Last evaluated: 2023-12-06. Review status: criteria provided, single submitter. Criteria: Invitae Variant Classification Sherloc (09022015). Collection method: clinical testing. Allele origin: germline.
Comment: This sequence change replaces aspartic acid, which is acidic and polar, with asparagine, which is neutral and polar, at codon 1068 of the KCNT1 protein (p.Asp1068Asn). This variant is not present in population databases (gnomAD no frequency). This variant has not been reported in the literature in individuals affected with KCNT1-related conditions. ClinVar contains an entry for this variant (Variation ID: 1414879). Advanced modeling of protein sequence and biophysical properties (such as structural, functional, and spatial information, amino acid conservation, physicochemical variation, residue mobility, and thermodynamic stability) performed at Invitae indicates that this missense variant is not expected to disrupt KCNT1 protein function with a negative predictive value of 80%. In summary, the available evidence is currently insufficient to determine the role of this variant in disease. Therefore, it has been classified as a Variant of Uncertain Significance.

NM_020822.3(KCNT1):c.3202G>A (p.Asp1068Asn)

Gene: KCNT1 (potassium sodium-activated channel subfamily T member 1; plus strand). Cytogenetic location: 9q34.3.
Variant type: single nucleotide variant.
Coding change: c.3202G>A on transcript NM_020822.3 (MANE Select); coding-DNA position 3202, G replaced by A.
Protein change: p.Asp1068Asn; replaces aspartic acid 1068 with asparagine.
Molecular consequence: missense variant.
Genome position (GRCh38, 1-based): chr9:135,786,221, G>A. VCF-style: chr9-135786221-G-A. GRCh37 (hg19) VCF-style: chr9-138678067-G-A.
Other names: c.3067G>A, p.Asp1023Asn (NM_001272003.2); short protein forms D1023N, D1068N.
Identifiers: ClinVar variation 1414879 (VCV001414879.8), dbSNP rs1834036491, ClinGen allele CA375491482.